The following is an entry in ClinVar:

NM_024700.4(SNIP1):c.339T>A (p.Asp113Glu)

Genes: SNIP1 (Smad nuclear interacting protein 1; minus strand), LOC126805704 (BRD4-independent group 4 enhancer GRCh37_chr1:38005292-38006491; plus strand). Cytogenetic location: 1p34.3.
Variant type: single nucleotide variant.
Coding change: c.339T>A on transcript NM_024700.4 (MANE Select); coding-DNA position 339, T replaced by A.
Protein change: p.Asp113Glu; replaces aspartic acid 113 with glutamic acid.
Molecular consequence: missense variant.
Genome position (GRCh38, 1-based): chr1:37,540,744, A>T on the plus strand (T>A on the coding strand, the complement: SNIP1 is on the minus strand). VCF-style: chr1-37540744-A-T. GRCh37 (hg19) VCF-style: chr1-38006345-A-T.
Other names: c.339T>A (NM_024700.2); short protein forms D113E.
Identifiers: ClinVar variation 1381518 (VCV001381518.7), dbSNP rs140026823, ClinGen allele CA771354.

ClinVar aggregate classification (germline): Uncertain significance. Review status: criteria provided, multiple submitters, no conflicts (2 of 4 stars). 2 submissions from 2 submitters: Uncertain significance (2). Last evaluated 2024-08-17.

Allele frequency attached by ClinVar (database versions not stated): gnomAD exomes 0.00002 and 0.00004; ExAC 0.00006; TOPMed 0.00014; ESP Exome Variant Server 0.00015; gnomAD 0.00018 and 0.00020.
gnomAD v4.1: 56 of 1,596,670 alleles (0.0035%); highest among the groups gnomAD compares: African/African-American, 0.07%; no homozygotes.

Submissions (2):

Labcorp Genetics (formerly Invitae), Labcorp
Classification: Uncertain significance. Last evaluated: 2024-08-17. Review status: criteria provided, single submitter. Criteria: Invitae Variant Classification Sherloc (09022015). Collection method: clinical testing. Allele origin: germline.
Comment: This sequence change replaces aspartic acid, which is acidic and polar, with glutamic acid, which is acidic and polar, at codon 113 of the SNIP1 protein (p.Asp113Glu). This variant is present in population databases (rs140026823, gnomAD 0.04%). This variant has not been reported in the literature in individuals affected with SNIP1-related conditions. ClinVar contains an entry for this variant (Variation ID: 1381518). Invitae Evidence Modeling of protein sequence and biophysical properties (such as structural, functional, and spatial information, amino acid conservation, physicochemical variation, residue mobility, and thermodynamic stability) indicates that this missense variant is not expected to disrupt SNIP1 protein function with a negative predictive value of 80%. In summary, the available evidence is currently insufficient to determine the role of this variant in disease. Therefore, it has been classified as a Variant of Uncertain Significance.

Ambry Genetics
Classification: Uncertain significance. Last evaluated: 2024-07-06. Review status: criteria provided, single submitter. Criteria: Ambry Variant Classification Scheme 2023. Collection method: clinical testing. Allele origin: germline.